The following is an entry in ClinVar:

ClinVar aggregate classification (germline): Uncertain significance (1 of 4 stars; one submission).

Conditions:
Developmental and epileptic encephalopathy, 30 (DEE30). Also called: Epileptic encephalopathy, early infantile, 30. Identifiers: MedGen C4225360, MONDO:0014595, OMIM 616341.

Submission:

Labcorp Genetics (formerly Invitae), Labcorp
Classification: Uncertain significance for Developmental and epileptic encephalopathy, 30. Last evaluated: 2022-06-18. Review status: criteria provided, single submitter. Criteria: Invitae Variant Classification Sherloc (09022015). Collection method: clinical testing. Allele origin: germline.
Comment: This sequence change replaces leucine, which is neutral and non-polar, with proline, which is neutral and non-polar, at codon 608 of the SIK1 protein (p.Leu608Pro). This variant is not present in population databases (gnomAD no frequency). This variant has not been reported in the literature in individuals affected with SIK1-related conditions. Advanced modeling of protein sequence and biophysical properties (such as structural, functional, and spatial information, amino acid conservation, physicochemical variation, residue mobility, and thermodynamic stability) performed at Invitae indicates that this missense variant is not expected to disrupt SIK1 protein function. In summary, the available evidence is currently insufficient to determine the role of this variant in disease. Therefore, it has been classified as a Variant of Uncertain Significance.

NM_173354.5(SIK1):c.1823T>C (p.Leu608Pro)

Gene: SIK1 (salt inducible kinase 1; minus strand). Cytogenetic location: 21q22.3.
Variant type: single nucleotide variant.
Coding change: c.1823T>C on transcript NM_173354.5 (MANE Select); coding-DNA position 1823, T replaced by C.
Protein change: p.Leu608Pro; replaces leucine 608 with proline.
Molecular consequence: missense variant.
Genome position (GRCh38, 1-based): chr21:43,417,696, A>G on the plus strand (T>C on the coding strand, the complement: SIK1 is on the minus strand). VCF-style: chr21-43417696-A-G. GRCh37 (hg19) VCF-style: chr21-44837576-A-G.
Other names: short protein forms L608P.
Identifiers: ClinVar variation 2008024 (VCV002008024.4), dbSNP rs2516964697, ClinGen allele CA410607220.